The following is an entry in ClinVar:

ClinVar aggregate classification (germline): Uncertain significance (1 of 4 stars; one submission).

Conditions:
Inborn genetic diseases. Identifiers: MedGen C0950123, MeSH D030342.

Submission:

Ambry Genetics
Classification: Uncertain significance for Inborn genetic diseases. Last evaluated: 2025-12-13. Review status: criteria provided, single submitter. Criteria: Ambry Variant Classification Scheme 2023. Collection method: clinical testing. Allele origin: germline.
Comment: The p.D879N variant (also known as c.2635G>A), located in coding exon 13 of the ASXL1 gene, results from a G to A substitution at nucleotide position 2635. The aspartic acid at codon 879 is replaced by asparagine, an amino acid with highly similar properties. This amino acid position is conserved. In addition, this alteration is predicted to be tolerated by in silico analysis. Based on the available evidence, the clinical significance of this variant remains unclear.

NM_015338.6(ASXL1):c.2635G>A (p.Asp879Asn)

Gene: ASXL1 (ASXL transcriptional regulator 1; plus strand). Cytogenetic location: 20q11.21.
Variant type: single nucleotide variant.
Coding change: c.2635G>A on transcript NM_015338.6 (MANE Select); coding-DNA position 2635, G replaced by A.
Protein change: p.Asp879Asn; replaces aspartic acid 879 with asparagine.
Molecular consequence: missense variant.
Genome position (GRCh38, 1-based): chr20:32,435,347, G>A. VCF-style: chr20-32435347-G-A. GRCh37 (hg19) VCF-style: chr20-31023150-G-A.
Other names: c.2452G>A, p.Asp818Asn (NM_001363734.1); short protein forms D879N, D818N.
Identifiers: ClinVar variation 4589139 (VCV004589139.1).